The following is an entry in ClinVar:

NM_005751.5(AKAP9):c.7486A>G (p.Asn2496Asp)

Gene: AKAP9 (A-kinase anchoring protein 9; plus strand). Cytogenetic location: 7q21.2.
Variant type: single nucleotide variant.
Coding change: c.7486A>G on transcript NM_005751.5 (MANE Select); coding-DNA position 7486, A replaced by G.
Protein change: p.Asn2496Asp; replaces asparagine 2496 with aspartic acid.
Molecular consequence: missense variant.
Genome position (GRCh38, 1-based): chr7:92,079,619, A>G. VCF-style: chr7-92079619-A-G. GRCh37 (hg19) VCF-style: chr7-91708933-A-G.
Other names: c.2131A>G, p.Asn711Asp (NM_001379277.1); c.7462A>G, p.Asn2488Asp (NM_147185.3); short protein forms N2496D, N2488D, N711D.
Identifiers: ClinVar variation 263743 (VCV000263743.9), dbSNP rs886038911, ClinGen allele CA10587658.

ClinVar aggregate classification (germline): Uncertain significance. Review status: criteria provided, multiple submitters, no conflicts (2 of 4 stars). 2 submissions from 2 submitters: Uncertain significance (2). Last evaluated 2021-09-15.

Conditions:
Cardiovascular phenotype. Identifiers: MedGen CN230736.
Long QT syndrome (LQTS). Identifiers: MedGen C0023976, MeSH D008133, MONDO:0002442. Disease mechanism: loss of function. Inheritance: Various modes of inheritance.

Submissions (2):

Labcorp Genetics (formerly Invitae), Labcorp
Classification: Uncertain significance for Long QT syndrome. Last evaluated: 2021-09-15. Review status: criteria provided, single submitter. Criteria: Invitae Variant Classification Sherloc (09022015). Collection method: clinical testing. Allele origin: germline.
Comment: In summary, the available evidence is currently insufficient to determine the role of this variant in disease. Therefore, it has been classified as a Variant of Uncertain Significance. Algorithms developed to predict the effect of missense changes on protein structure and function (SIFT, PolyPhen-2, Align-GVGD) all suggest that this variant is likely to be tolerated. ClinVar contains an entry for this variant (Variation ID: 263743). This variant has not been reported in the literature in individuals affected with AKAP9-related conditions. This variant is not present in population databases (ExAC no frequency). This sequence change replaces asparagine with aspartic acid at codon 2496 of the AKAP9 protein (p.Asn2496Asp). The asparagine residue is weakly conserved and there is a small physicochemical difference between asparagine and aspartic acid.

Ambry Genetics
Classification: Uncertain significance for Cardiovascular phenotype. Last evaluated: 2013-11-15. Review status: criteria provided, single submitter. Criteria: Ambry Autosomal Dominant and X-Linked criteria (10/2015). Collection method: clinical testing. Allele origin: germline. Observed: 1 variant allele.
Comment: The p.N2496D variant (also known as c.7486A>G) is located in coding exon 31 of the AKAP9gene. This alteration results from a A to G substitution at nucleotide position 7486. The asparagine at codon 2496 is replaced by aspartic acid, an amino acid with highly similar properties. This variant was not reported in population-based cohorts in the following databases: Database of Single Nucleotide Polymorphisms (dbSNP), the 1000 Genomes Project and the NHLBI Exome Sequencing Project (ESP). In the ESP, this variant was not reported in 6503 samples (13006 alleles) with coverage at this position. Based on protein sequence alignment, this amino acid position is poorly conserved in available vertebrate species.In addition, this alteration is predicted to be benign and tolerated by PolyPhen and SIFT in silico analyses, respectively. Since supporting evidence is limited at this time, the clinical significance of this variant remains unclear.